The following is an entry in ClinVar:

NM_031407.7(HUWE1):c.12065G>A (p.Arg4022His)

Gene: HUWE1 (HECT, UBA and WWE domain containing E3 ubiquitin protein ligase 1; minus strand). Cytogenetic location: Xp11.22.
Variant type: single nucleotide variant.
Coding change: c.12065G>A on transcript NM_031407.7 (MANE Select); coding-DNA position 12065, G replaced by A.
Protein change: p.Arg4022His; replaces arginine 4022 with histidine.
Molecular consequence: missense variant.
Genome position (GRCh38, 1-based): chrX:53,537,628, C>T on the plus strand (G>A on the coding strand, the complement: HUWE1 is on the minus strand). VCF-style: chrX-53537628-C-T. GRCh37 (hg19) VCF-style: chrX-53564589-C-T.
Other names: c.12017G>A, p.Arg4006His (NM_001441048.1, NM_001441053.1, NM_001441058.1); c.12020G>A, p.Arg4007His (NM_001441049.1, NM_001441054.1); c.12041G>A, p.Arg4014His (NM_001441050.1, NM_001441055.1); c.12062G>A, p.Arg4021His (NM_001441051.1, NM_001441056.1); c.11663G>A, p.Arg3888His (NM_001441052.1); c.12065G>A, p.Arg4022His (NM_001441057.1); short protein forms R3888H, R4006H, R4007H, R4014H, R4021H, R4022H.
Identifiers: ClinVar variation 4537587 (VCV004537587.1).

ClinVar aggregate classification (germline): Uncertain significance (1 of 4 stars; one submission).

gnomAD v4.1: 2 of 1,206,729 alleles (0.00017%); highest among the groups gnomAD compares: Non-Finnish European, 0.00022%; no homozygotes.

Submission:

GeneDx
Classification: Uncertain significance. Last evaluated: 2025-06-12. Review status: criteria provided, single submitter. Criteria: GeneDx Variant Classification Process June 2021. Collection method: clinical testing. Allele origin: germline. Affected: yes.
Comment: Not observed at significant frequency in large population cohorts (gnomAD); In silico analysis supports that this missense variant has a deleterious effect on protein structure/function; Has not been previously published as pathogenic or benign to our knowledge